The following is an entry in ClinVar:

NM_020207.7(ERCC6L2):c.1695G>C (p.Lys565Asn)

Gene: ERCC6L2 (ERCC excision repair 6 like 2; plus strand). Cytogenetic location: 9q22.32.
Variant type: single nucleotide variant.
Coding change: c.1695G>C on transcript NM_020207.7 (MANE Select); coding-DNA position 1695, G replaced by C.
Protein change: p.Lys565Asn; replaces lysine 565 with asparagine.
Molecular consequence: missense variant. On other transcripts: non-coding transcript variant (1).
Genome position (GRCh38, 1-based): chr9:95,928,808, G>C. VCF-style: chr9-95928808-G-C. GRCh37 (hg19) VCF-style: chr9-98691090-G-C.
Other names: c.1695G>C, p.Lys565Asn (NM_001010895.4, NM_001375291.1, NM_001375292.1 and 2 more transcripts); short protein forms K565N.
Identifiers: ClinVar variation 3029445 (VCV003029445.2), dbSNP rs1388259573, ClinGen allele CA374126026.

ClinVar aggregate classification (germline): Uncertain significance (0 of 4 stars; one submission).

Conditions:
ERCC6L2-related disorder. Also called: ERCC6L2-related condition.

Submission:

PreventionGenetics, part of Exact Sciences
Classification: Uncertain significance for ERCC6L2-related condition. Last evaluated: 2024-02-05. Review status: no assertion criteria provided. Collection method: clinical testing. Allele origin: germline.
Comment: The ERCC6L2 c.1728G>C variant is predicted to result in the amino acid substitution p.Lys576Asn. To our knowledge, this variant has not been reported in the literature or in a large population database, indicating this variant is rare. At this time, the clinical significance of this variant is uncertain due to the absence of conclusive functional and genetic evidence.